The following is an entry in ClinVar:

NM_032119.4(ADGRV1):c.14738G>T (p.Gly4913Val)

Gene: ADGRV1 (adhesion G protein-coupled receptor V1; plus strand). Cytogenetic location: 5q14.3.
Variant type: single nucleotide variant.
Coding change: c.14738G>T on transcript NM_032119.4 (MANE Select); coding-DNA position 14738, G replaced by T.
Protein change: p.Gly4913Val; replaces glycine 4913 with valine.
Molecular consequence: missense variant. On other transcripts: non-coding transcript variant (1).
Genome position (GRCh38, 1-based): chr5:90,805,360, G>T. VCF-style: chr5-90805360-G-T. GRCh37 (hg19) VCF-style: chr5-90101177-G-T.
Other names: short protein forms G4913V.
Identifiers: ClinVar variation 1714431 (VCV001714431.5), dbSNP rs2532139149, ClinGen allele CA360406234.
Genomic context (GRCh38, chr5:90,805,360, plus strand): 5'-CTGCTTTTCAACTCATGAACATCACTGCTGGCACAAGCCACGTTATGATTTCTAGGAGAG[G>T]CACATATGGAGCTCTCTCGGTTGCCTGGACCACTGGATATGCTCCTGGGTTAGAAATTCC-3'
Protein context (NP_115495.3, residues 4903-4923): GTSHVMISRR[Gly4913Val]TYGALSVAWT

ClinVar aggregate classification (germline): Uncertain significance (1 of 4 stars; one submission).

Submission:

Labcorp Genetics (formerly Invitae), Labcorp
Classification: Uncertain significance. Last evaluated: 2024-02-23. Review status: criteria provided, single submitter. Criteria: Invitae Variant Classification Sherloc (09022015). Collection method: clinical testing. Allele origin: germline.
Comment: This sequence change replaces glycine, which is neutral and non-polar, with valine, which is neutral and non-polar, at codon 4913 of the ADGRV1 protein (p.Gly4913Val). This variant is not present in population databases (gnomAD no frequency). This variant has not been reported in the literature in individuals affected with ADGRV1-related conditions. ClinVar contains an entry for this variant (Variation ID: 1714431). Advanced modeling of protein sequence and biophysical properties (such as structural, functional, and spatial information, amino acid conservation, physicochemical variation, residue mobility, and thermodynamic stability) has been performed at Invitae for this missense variant, however the output from this modeling did not meet the statistical confidence thresholds required to predict the impact of this variant on ADGRV1 protein function. In summary, the available evidence is currently insufficient to determine the role of this variant in disease. Therefore, it has been classified as a Variant of Uncertain Significance.